The following is an entry in ClinVar:

NM_024496.4(IRF2BPL):c.2387C>T (p.Pro796Leu)

Gene: IRF2BPL (interferon regulatory factor 2 binding protein like; minus strand). Cytogenetic location: 14q24.3.
Variant type: single nucleotide variant.
Coding change: c.2387C>T on transcript NM_024496.4 (MANE Select); coding-DNA position 2387, C replaced by T.
Protein change: p.Pro796Leu; replaces proline 796 with leucine.
Molecular consequence: missense variant.
Genome position (GRCh38, 1-based): chr14:77,025,406, G>A on the plus strand (C>T on the coding strand, the complement: IRF2BPL is on the minus strand). VCF-style: chr14-77025406-G-A. GRCh37 (hg19) VCF-style: chr14-77491749-G-A.
Other names: short protein forms P796L.
Identifiers: ClinVar variation 2631496 (VCV002631496.1), dbSNP rs1885081272, ClinGen allele CA390486586.

ClinVar aggregate classification (germline): Uncertain significance (1 of 4 stars; one submission).

Conditions:
IRF2BPL-related disorder. Also called: IRF2BPL-related condition. Identifiers: MedGen CN381093.

Allele frequency attached by ClinVar (database versions not stated): TOPMed 0.00001.

Submission:

PreventionGenetics, part of Exact Sciences
Classification: Uncertain significance for IRF2BPL-related condition. Last evaluated: 2023-08-04. Review status: criteria provided, single submitter. Criteria: ACMG Guidelines, 2015. Collection method: clinical testing. Allele origin: germline.
Comment: The IRF2BPL c.2387C>T variant is predicted to result in the amino acid substitution p.Pro796Leu. To our knowledge, this variant has not been reported in the literature or in a large population database, indicating this variant is rare. At this time, the clinical significance of this variant is uncertain due to the absence of conclusive functional and genetic evidence.